The following is an entry in ClinVar:

ClinVar aggregate classification (germline): Pathogenic/Likely pathogenic. Review status: criteria provided, multiple submitters, no conflicts (2 of 4 stars). 12 submissions from 12 submitters: Pathogenic (11); Likely pathogenic (1). Last evaluated 2026-02-18.

Conditions:
Amyotrophic lateral sclerosis type 5 (ALS5). Also called: AMYOTROPHIC LATERAL SCLEROSIS 5, JUVENILE. Identifiers: Orphanet 300605, MedGen C1865864, MONDO:0011196, OMIM 602099.
Charcot-Marie-Tooth disease axonal type 2X. Also called: CHARCOT-MARIE-TOOTH DISEASE, AXONAL, AUTOSOMAL RECESSIVE, TYPE 2X; CHARCOT-MARIE-TOOTH NEUROPATHY, TYPE 2X. Identifiers: Orphanet 466775, MedGen C5569024, MONDO:0014726, OMIM 616668.
Hereditary spastic paraplegia 11. Also called: SPASTIC PARAPLEGIA, AUTOSOMAL RECESSIVE, COMPLICATED, WITH THIN CORPUS CALLOSUM; SPASTIC PARAPLEGIA, AUTOSOMAL RECESSIVE, WITH MENTAL IMPAIRMENT AND THIN CORPUS CALLOSUM; Spastic Paraplegia 11; Nakamura Osame syndrome; Autosomal recessive hereditary spastic paraplegia, mental impairment, and thin corpus callosum; Spastic paraplegia, mental retardation and thin corpus callosum. Identifiers: Orphanet 2822, MedGen C1858479, MONDO:0011445, OMIM 604360.
SPG11-related disorder. Also called: SPG11-related condition.
Inborn genetic diseases. Identifiers: MedGen C0950123, MeSH D030342.
Hereditary spastic paraplegia. Also called: Familial spastic paraparesis. Identifiers: Orphanet 685, MedGen C0037773, MONDO:0019064. Disease mechanism: loss of function.

Submissions (12):

PreventionGenetics, part of Exact Sciences
Classification: Pathogenic for SPG11-related condition. Last evaluated: 2026-02-18. Review status: criteria provided, single submitter. Criteria: ACMG Guidelines, 2015. Collection method: clinical testing. Allele origin: germline.
Comment: The SPG11 c.276_285del10 variant is predicted to result in a frameshift and premature protein termination (p.Arg93Alafs*25). This variant was reported in the compound heterozygous state in an individual with spastic paraplegia (Reported as c.275_284del, Kara et al. 2016. PubMed ID: 27217339). This variant is reported in 0.0062% of alleles in individuals of African descent in gnomAD. Frameshift variants in SPG11 are expected to be pathogenic. This variant is interpreted as pathogenic.

Women's Health and Genetics/Laboratory Corporation of America, LabCorp
Classification: Pathogenic for Hereditary spastic paraplegia. Last evaluated: 2025-10-08. Review status: criteria provided, single submitter. Criteria: LabCorp Variant Classification Summary - May 2015. Collection method: clinical testing. Allele origin: germline.
Comment: Variant summary: SPG11 c.276_285del10 (p.Arg93AlafsX25) results in a premature termination codon, predicted to cause a truncation of the encoded protein or absence of the protein due to nonsense mediated decay, which are commonly known mechanisms for disease. The variant allele was found at a frequency of 3.2e-05 in 251414 control chromosomes. c.276_285del10 has been observed in individual(s) affected with Hereditary Spastic Paraplegia (example: Kara_2016). The following publication has been ascertained in the context of this evaluation (PMID: 27217339). ClinVar contains an entry for this variant (Variation ID: 565721). Based on the evidence outlined above, the variant was classified as pathogenic.

Labcorp Genetics (formerly Invitae), Labcorp
Classification: Pathogenic for Hereditary spastic paraplegia 11. Last evaluated: 2025-09-23. Review status: criteria provided, single submitter. Criteria: Invitae Variant Classification Sherloc (09022015). Collection method: clinical testing. Allele origin: germline.
Comment: This sequence change creates a premature translational stop signal (p.Arg93Alafs*25) in the SPG11 gene. It is expected to result in an absent or disrupted protein product. Loss-of-function variants in SPG11 are known to be pathogenic (PMID: 19105190, 20110243, 22154821, 26556829). This variant is present in population databases (rs747220413, gnomAD 0.007%). This premature translational stop signal has been observed in individual(s) with complex hereditary spastic paraplegia (PMID: 27217339). ClinVar contains an entry for this variant (Variation ID: 565721). For these reasons, this variant has been classified as Pathogenic.

Mayo Clinic Laboratories, Mayo Clinic
Classification: Likely pathogenic. Last evaluated: 2025-09-05. Review status: criteria provided, single submitter. Criteria: ACMG Guidelines, 2015. Collection method: clinical testing. Allele origin: germline. Observed: 1 variant allele.
Comment: PM2_supporting, PVS1

Ambry Genetics
Classification: Pathogenic for Inborn genetic diseases. Last evaluated: 2025-07-15. Review status: criteria provided, single submitter. Criteria: Ambry Variant Classification Scheme 2023. Collection method: clinical testing. Allele origin: germline.
Comment: The c.276_285del10 (p.R93Afs*25) alteration, located in exon 2 (coding exon 2) of the SPG11 gene, consists of a deletion of 10 nucleotides from position 276 to 285, causing a translational frameshift with a predicted alternate stop codon after 25 amino acids. This alteration is expected to result in loss of function by premature protein truncation or nonsense-mediated mRNA decay. Based on data from gnomAD, this allele has an overall frequency of 0.0032% (8/251414) total alleles studied. The highest observed frequency was 0.0062% (1/16246) of African/African American alleles. This variant has been identified in trans with another SPG11 variant in an individual with features consistent with SPG11-related neurologic disorders (Kara, 2016). Based on the available evidence, this alteration is classified as pathogenic.

CeGaT Center for Human Genetics Tuebingen
Classification: Pathogenic. Last evaluated: 2024-07-01. Review status: criteria provided, single submitter. Criteria: CeGaT Center For Human Genetics Tuebingen Variant Classification Criteria Version 2. Collection method: clinical testing. Allele origin: germline. Affected: yes. Observed: 1 variant allele.
Comment: SPG11: PVS1, PM2, PM3

Fulgent Genetics
Classification: Pathogenic for Amyotrophic lateral sclerosis type 5; Hereditary spastic paraplegia 11; Charcot-Marie-Tooth disease axonal type 2X. Last evaluated: 2024-02-20. Review status: criteria provided, single submitter. Criteria: ACMG Guidelines, 2015. Collection method: clinical testing. Allele origin: germline.

Baylor Genetics
Classification: Pathogenic for Amyotrophic lateral sclerosis type 5. Last evaluated: 2023-07-14. Review status: criteria provided, single submitter. Criteria: ACMG Guidelines, 2015. Collection method: clinical testing. Allele origin: unknown.

Athena Diagnostics
Classification: Pathogenic. Last evaluated: 2022-05-18. Review status: criteria provided, single submitter. Criteria: Athena Diagnostics Criteria. Collection method: clinical testing. Allele origin: unknown.
Comment: This variant is expected to result in the loss of a functional protein. The frequency of this variant in the general population is consistent with pathogenicity. This variant has been identified in at least one individual tested at Athena Diagnostics with clinical features associated with this gene.

Revvity Omics, Revvity
Classification: Pathogenic. Last evaluated: 2019-12-10. Review status: criteria provided, single submitter. Criteria: ACMG Guidelines, 2015. Collection method: clinical testing. Allele origin: germline.

HudsonAlpha Institute for Biotechnology
Classification: Pathogenic for Hereditary spastic paraplegia 11. Last evaluated: 2018-07-20. Review status: criteria provided, single submitter. Criteria: ACMG Guidelines, 2015. Collection method: research. Allele origin: maternal. Affected: yes. Observed: 1 variant allele. Study: AGHI-WGS-HudsonAlpha.

Genome-Nilou Lab
Classification: Pathogenic for Hereditary spastic paraplegia 11. Review status: criteria provided, single submitter. Criteria: ACMG Guidelines, 2015. Collection method: clinical testing. Allele origin: germline.

Literature cited by the submitters: PubMed 27217339 (cited by 5 submitters); PubMed 19105190 (cited by Labcorp Genetics (formerly Invitae), Labcorp); PubMed 20110243 (cited by Labcorp Genetics (formerly Invitae), Labcorp); PubMed 22154821 (cited by Labcorp Genetics (formerly Invitae), Labcorp); PubMed 26556829 (cited by Labcorp Genetics (formerly Invitae), Labcorp).

NM_025137.4(SPG11):c.276_285del (p.Arg93fs)

Gene: SPG11 (SPG11 vesicle trafficking associated, spatacsin; minus strand). Cytogenetic location: 15q21.1.
Variant type: Deletion.
Coding change: c.276_285del on transcript NM_025137.4 (MANE Select); coding-DNA positions 276 to 285, 10 bases deleted (TCGTAACAGC; older notation c.276_285delTCGTAACAGC).
Protein change: p.Arg93fs; shifts the reading frame from arginine 93.
Molecular consequence: frameshift variant.
Genome position (GRCh38, 1-based): chr15:44,660,589-44,660,598, GCTGTTACGA deleted on the plus strand (TCGTAACAGC on the coding strand, the reverse complement: SPG11 is on the minus strand); deleting any 10 consecutive bases within chr15:44,660,589-44,660,599 gives the same sequence; the c. name uses the placement nearest the transcript's 3' end. VCF-style (leftmost placement, unchanged base first): chr15-44660588-TGCTGTTACGA-T. GRCh37 (hg19) VCF-style: chr15-44952786-TGCTGTTACGA-T.
Other names: p.Arg93Alafs*25; c.276_285del10 (NM_025137.4); c.276_285del, p.Arg93fs (NM_001160227.2); c.276_285del (NM_025137.3); short protein forms R93fs.
Identifiers: ClinVar variation 565721 (VCV000565721.41), dbSNP rs747220413, ClinGen allele CA7535876.